The following is an entry in ClinVar:

NM_194454.3(KRIT1):c.524C>T (p.Pro175Leu)

Gene: KRIT1 (KRIT1 ankyrin repeat containing; minus strand). Cytogenetic location: 7q21.2.
Variant type: single nucleotide variant.
Coding change: c.524C>T on transcript NM_194454.3 (MANE Select); coding-DNA position 524, C replaced by T.
Protein change: p.Pro175Leu; replaces proline 175 with leucine.
Molecular consequence: missense variant. On other transcripts: 5 prime UTR variant (1).
Genome position (GRCh38, 1-based): chr7:92,235,608, G>A on the plus strand (C>T on the coding strand, the complement: KRIT1 is on the minus strand). VCF-style: chr7-92235608-G-A. GRCh37 (hg19) VCF-style: chr7-91864922-G-A.
Other names: c.524C>T, p.Pro175Leu (NM_001013406.2, NM_001350669.1, NM_001350670.1 and 29 more transcripts); c.-60C>T (NM_001350671.1); short protein forms P175L.
Identifiers: ClinVar variation 3361388 (VCV003361388.1).

ClinVar aggregate classification (germline): Uncertain significance (1 of 4 stars; one submission).

Submission:

GeneDx
Classification: Uncertain significance. Last evaluated: 2023-07-24. Review status: criteria provided, single submitter. Criteria: GeneDx Variant Classification Process June 2021. Collection method: clinical testing. Allele origin: germline. Affected: yes.
Comment: Not observed at significant frequency in large population cohorts (gnomAD); In silico analysis supports that this missense variant has a deleterious effect on protein structure/function; Has not been previously published as pathogenic or benign to our knowledge